The following is an entry in ClinVar:

NM_145649.5(GCNT2):c.376G>A (p.Val126Met)

Gene: GCNT2 (glucosaminyl (N-acetyl) transferase 2 (I blood group); plus strand). Cytogenetic location: 6p24.3.
Variant type: single nucleotide variant.
Coding change: c.376G>A on transcript NM_145649.5 (MANE Select); coding-DNA position 376, G replaced by A.
Protein change: p.Val126Met; replaces valine 126 with methionine.
Molecular consequence: missense variant.
Genome position (GRCh38, 1-based): chr6:10,529,287, G>A. VCF-style: chr6-10529287-G-A. GRCh37 (hg19) VCF-style: chr6-10529520-G-A.
Other names: c.376G>A, p.Val126Met (NM_001374747.1); short protein forms V126M.
Identifiers: ClinVar variation 4994145 (VCV004994145.1).

ClinVar aggregate classification (germline): Uncertain significance (1 of 4 stars; one submission).

Conditions:
GCNT2-related disorder. Also called: GCNT2-related condition.

gnomAD v4.1: 37 of 1,614,048 alleles (0.0023%); highest among the groups gnomAD compares: African/African-American, 0.045%; no homozygotes.

Submission:

PreventionGenetics, part of Exact Sciences
Classification: Uncertain significance for GCNT2-related condition. Last evaluated: 2026-07-09. Review status: criteria provided, single submitter. Criteria: ACMG Guidelines, 2015. Collection method: clinical testing. Allele origin: germline.
Comment: The GCNT2 c.376G>A variant is predicted to result in the amino acid substitution p.Val126Met. To our knowledge, this variant has not been reported in the literature. This variant is present in 0.032% of alleles in individuals of African descent in gnomAD. At this time, the clinical significance of this variant is uncertain due to the absence of conclusive functional and genetic evidence.